The following is an entry in ClinVar:

NM_001282874.2(SMARCA1):c.268G>A (p.Asp90Asn)

Gene: SMARCA1 (SNF2 related chromatin remodeling ATPase 1; minus strand). Cytogenetic location: Xq26.1.
Variant type: single nucleotide variant.
Coding change: c.268G>A on transcript NM_001282874.2 (MANE Select); coding-DNA position 268, G replaced by A.
Protein change: p.Asp90Asn; replaces aspartic acid 90 with asparagine.
Molecular consequence: missense variant.
Genome position (GRCh38, 1-based): chrX:129,516,491, C>T on the plus strand (G>A on the coding strand, the complement: SMARCA1 is on the minus strand). VCF-style: chrX-129516491-C-T. GRCh37 (hg19) VCF-style: chrX-128650468-C-T.
Other names: c.268G>A, p.Asp90Asn (NM_001282875.2, NM_001378261.1, NM_001378262.1 and 3 more transcripts); short protein forms D90N.
Identifiers: ClinVar variation 3899538 (VCV003899538.1).

ClinVar aggregate classification (germline): Uncertain significance (1 of 4 stars; one submission).

gnomAD v4.1: 1 of 1,197,251 alleles (0.000084%); no homozygotes.

Submission:

GeneDx
Classification: Uncertain significance. Last evaluated: 2024-05-30. Review status: criteria provided, single submitter. Criteria: GeneDx Variant Classification Process June 2021. Collection method: clinical testing. Allele origin: germline. Affected: yes.
Comment: Not observed at significant frequency in large population cohorts (gnomAD); In silico analysis supports that this missense variant has a deleterious effect on protein structure/function; Has not been previously published as pathogenic or benign to our knowledge; Variants in candidate genes are classified as variants of uncertain significance in accordance with ACMG guidelines (PMID: 25741868)